The following is an entry in ClinVar:

ClinVar aggregate classification (germline): Likely benign (1 of 4 stars; one submission).

Conditions:
Neurodevelopmental disorder with dysmorphic facies and thin corpus callosum. Identifiers: MedGen C5551361, MONDO:0859179, OMIM 619480.

Submission:

Centre for Medical Genetics,  Mumbai
Classification: Likely benign for Neurodevelopmental disorder with dysmorphic facies and thin corpus callosum. Last evaluated: 2026-04-11. Review status: criteria provided, single submitter. Criteria: ACMG Guidelines, 2015. Collection method: provider interpretation. Allele origin: germline. Inheritance: Autosomal dominant inheritance. Affected: no. Observed: 1 variant allele, 1 heterozygote.
Comment: The variant satisfies PM2 criteria - extremely low frequency in gnomAD population databases. The variant satisfies PP2 criteria - missense variant in a gene with low rate of benign missense mutations and for which missense mutation is a common mechanism of a disease. However, the variant satisfies BS2 criteria - present in heterozygous state in an individual that clinically does not have neurodevelopmental disorder with dysmorphic facies and thin corpus callosum.

Literature cited by the submitters: PubMed 31924697.

NM_007192.4(SUPT16H):c.3012T>A (p.Ser1004Arg)

Genes: SUPT16H (SPT16 homolog, facilitates chromatin remodeling subunit; minus strand), LOC126861887 (BRD4-independent group 4 enhancer GRCh37_chr14:21820143-21821342; plus strand). Cytogenetic location: 14q11.2.
Variant type: single nucleotide variant.
Coding change: c.3012T>A on transcript NM_007192.4 (MANE Select); coding-DNA position 3012, T replaced by A.
Protein change: p.Ser1004Arg; replaces serine 1004 with arginine.
Molecular consequence: missense variant.
Genome position (GRCh38, 1-based): chr14:21,352,805, A>T on the plus strand (T>A on the coding strand, the complement: SUPT16H is on the minus strand). VCF-style: chr14-21352805-A-T. GRCh37 (hg19) VCF-style: chr14-21820964-A-T.
Other names: short protein forms S1004R.
Identifiers: ClinVar variation 4851351 (VCV004851351.1).